The following is an entry in ClinVar:

ClinVar aggregate classification (germline): Uncertain significance. Review status: criteria provided, multiple submitters, no conflicts (2 of 4 stars). 2 submissions from 2 submitters: Uncertain significance (2). Last evaluated 2026-02-27.

Allele frequency attached by ClinVar (database versions not stated): gnomAD 0.00002 and 0.00003; gnomAD exomes 0.00002; ExAC 0.00003; TOPMed 0.00004.
gnomAD v4.1: 28 of 1,613,266 alleles (0.0017%); highest among the groups gnomAD compares: South Asian, 0.0088%; no homozygotes.

Submissions (2):

Women's Health and Genetics/Laboratory Corporation of America, LabCorp
Classification: Uncertain significance. Last evaluated: 2026-02-27. Review status: criteria provided, single submitter. Criteria: LabCorp Variant Classification Summary - May 2015. Collection method: clinical testing. Allele origin: germline.
Comment: Variant summary: CILK1 c.839G>A (p.Arg280Gln) results in a conservative amino acid change in the encoded protein sequence. Algorithms developed to predict the effect of missense changes on protein structure and function are either unavailable or do not agree on the potential impact of this missense change. The variant allele was found at a frequency of 1.6e-05 in 249400 control chromosomes. The available data on variant occurrences in the general population are insufficient to allow any conclusion about variant significance. To our knowledge, no occurrence of c.839G>A in individuals affected with CILK1-related conditions and no experimental evidence demonstrating its impact on protein function have been reported. ClinVar contains an entry for this variant (Variation ID: 1680555). Based on the evidence outlined above, the variant was classified as uncertain significance.

Labcorp Genetics (formerly Invitae), Labcorp
Classification: Uncertain significance. Last evaluated: 2023-04-24. Review status: criteria provided, single submitter. Criteria: Invitae Variant Classification Sherloc (09022015). Collection method: clinical testing. Allele origin: germline.
Comment: In summary, the available evidence is currently insufficient to determine the role of this variant in disease. Therefore, it has been classified as a Variant of Uncertain Significance. Advanced modeling of protein sequence and biophysical properties (such as structural, functional, and spatial information, amino acid conservation, physicochemical variation, residue mobility, and thermodynamic stability) performed at Invitae indicates that this missense variant is not expected to disrupt ICK protein function. ClinVar contains an entry for this variant (Variation ID: 1680555). This variant has not been reported in the literature in individuals affected with ICK-related conditions. This variant is present in population databases (rs756353300, gnomAD 0.007%). This sequence change replaces arginine, which is basic and polar, with glutamine, which is neutral and polar, at codon 280 of the ICK protein (p.Arg280Gln).

NM_014920.5(CILK1):c.839G>A (p.Arg280Gln)

Gene: CILK1 (ciliogenesis associated kinase 1; minus strand). Cytogenetic location: 6p12.1.
Variant type: single nucleotide variant.
Coding change: c.839G>A on transcript NM_014920.5 (MANE Select); coding-DNA position 839, G replaced by A.
Protein change: p.Arg280Gln; replaces arginine 280 with glutamine.
Molecular consequence: missense variant. On other transcripts: non-coding transcript variant (1).
Genome position (GRCh38, 1-based): chr6:53,013,975, C>T on the plus strand (G>A on the coding strand, the complement: CILK1 is on the minus strand). VCF-style: chr6-53013975-C-T. GRCh37 (hg19) VCF-style: chr6-52878773-C-T.
Other names: c.839G>A, p.Arg280Gln (NM_001375397.1, NM_001375398.1, NM_001375399.1 and 4 more transcripts); short protein forms R280Q.
Identifiers: ClinVar variation 1680555 (VCV001680555.9), dbSNP rs756353300, ClinGen allele CA3858669.